The following is an entry in ClinVar:

ClinVar aggregate classification (germline): Conflicting classifications of pathogenicity. Review status: criteria provided, conflicting classifications (1 of 4 stars). 7 submissions from 7 submitters: Uncertain significance (4); Likely benign (3). Last evaluated 2025-07-15.

Conditions:
TTN-related disorder. Also called: TTN-related condition; TTN-related disease; TTN-related disorders.
Cardiomyopathy (CMYO). Also called: Cardiomyopathies. Identifiers: Orphanet 167848, MedGen C0878544, MONDO:0004994, HP:0001638. Inheritance: Various modes of inheritance.

Allele frequency attached by ClinVar (database versions not stated): ExAC 0.00003; ESP Exome Variant Server 0.00008; gnomAD exomes 0.00009 and 0.00010; gnomAD 0.00027; TOPMed 0.00036.
gnomAD v4.1: 161 of 1,613,826 alleles (0.01%); highest among the groups gnomAD compares: Admixed American, 0.08%; 1 homozygote.

Submissions (7):

PreventionGenetics, part of Exact Sciences
Classification: Uncertain significance for TTN-related condition. Last evaluated: 2025-07-15. Review status: criteria provided, single submitter. Criteria: ACMG Guidelines, 2015. Collection method: clinical testing. Allele origin: germline.
Comment: The TTN c.4262G>A variant is predicted to result in the amino acid substitution p.Arg1421Gln. This variant has been reported in an individual with dilated cardiomyopathy (Table S7, Mazzarotto et al. 2020. PubMed ID: 31983221). This variant is reported in 0.043% of alleles in individuals of Latino descent in gnomAD. Although we suspect that this variant may be benign, at this time, the clinical significance of this variant is uncertain due to the absence of conclusive functional and genetic evidence.

Revvity Omics, Revvity
Classification: Uncertain significance. Last evaluated: 2025-06-24. Review status: criteria provided, single submitter. Criteria: ACMG Guidelines, 2015. Collection method: clinical testing. Allele origin: germline.

Blueprint Genetics
Classification: Likely benign. Last evaluated: 2024-08-28. Review status: criteria provided, single submitter. Criteria: ACMG Guidelines, 2015. Collection method: clinical testing. Allele origin: germline.

Mayo Clinic Laboratories, Mayo Clinic
Classification: Uncertain significance. Last evaluated: 2022-10-25. Review status: criteria provided, single submitter. Criteria: ACMG Guidelines, 2015. Collection method: clinical testing. Allele origin: germline. Observed: 1 variant allele.
Comment: BP4

CHEO Genetics Diagnostic Laboratory, Children's Hospital of Eastern Ontario
Classification: Likely benign for Cardiomyopathy. Last evaluated: 2021-07-26. Review status: criteria provided, single submitter. Criteria: ACMG Guidelines, 2015. Collection method: clinical testing. Allele origin: germline.

GeneDx
Classification: Likely benign. Last evaluated: 2019-03-26. Review status: criteria provided, single submitter. Criteria: GeneDx Variant Classification Process June 2021. Collection method: clinical testing. Allele origin: germline. Affected: yes.

Laboratory for Molecular Medicine, Mass General Brigham Personalized Medicine
Classification: Uncertain significance. Last evaluated: 2015-09-24. Review status: criteria provided, single submitter. Criteria: LMM Criteria. Collection method: clinical testing. Allele origin: germline. Observed: 3 variant alleles.
Comment: The p.Arg1421Gln variant in TTN has not been previously reported in individuals with cardiomyopathy, but has been identified in 2/66104 Finnish chromosomes by t he Exome Aggregation Consortium (ExAC; dbSNP rs1 47254212). Computational prediction tools and conservation analysis do not provi de strong support for or against an impact to the protein. In summary, the clini cal significance of the p.Arg1421Gln variant is uncertain.

NM_001267550.2(TTN):c.4262G>A (p.Arg1421Gln)

Genes: TTN (titin; minus strand), LOC101927055 (uncharacterized LOC101927055; plus strand). Cytogenetic location: 2q31.2.
Variant type: single nucleotide variant.
Coding change: c.4262G>A on transcript NM_001267550.2 (MANE Select); coding-DNA position 4262, G replaced by A.
Protein change: p.Arg1421Gln; replaces arginine 1421 with glutamine.
Molecular consequence: missense variant. On other transcripts: non-coding transcript variant (1).
Genome position (GRCh38, 1-based): chr2:178,777,922, C>T on the plus strand (G>A on the coding strand, the complement: TTN is on the minus strand). VCF-style: chr2-178777922-C-T. GRCh37 (hg19) VCF-style: chr2-179642649-C-T.
Other names: p.R1421Q:CGG>CAG; c.4262G>A, p.Arg1421Gln (NM_001256850.1, NM_133378.4, NM_133379.5); c.4124G>A, p.Arg1375Gln (NM_003319.4, NM_133432.3, NM_133437.4); short protein forms R1421Q, R1375Q.
Identifiers: ClinVar variation 203127 (VCV000203127.13), dbSNP rs147254212, ClinGen allele CA311339.